The following is an entry in ClinVar:

NM_002691.4(POLD1):c.2910C>G (p.Phe970Leu)

Gene: POLD1 (DNA polymerase delta 1, catalytic subunit; plus strand). Cytogenetic location: 19q13.33.
Variant type: single nucleotide variant.
Coding change: c.2910C>G on transcript NM_002691.4 (MANE Select); coding-DNA position 2910, C replaced by G.
Protein change: p.Phe970Leu; replaces phenylalanine 970 with leucine.
Molecular consequence: missense variant. On other transcripts: non-coding transcript variant (1).
Genome position (GRCh38, 1-based): chr19:50,416,485, C>G. VCF-style: chr19-50416485-C-G. GRCh37 (hg19) VCF-style: chr19-50919742-C-G.
Other names: c.2910C>G, p.Phe970Leu (NM_001256849.1); c.2988C>G, p.Phe996Leu (NM_001308632.1); short protein forms F996L, F970L.
Identifiers: ClinVar variation 537099 (VCV000537099.13), dbSNP rs757740787, ClinGen allele CA406986559.

ClinVar aggregate classification (germline): Conflicting classifications of pathogenicity. Review status: criteria provided, conflicting classifications (1 of 4 stars). 3 submissions from 3 submitters: Uncertain significance (2); Likely benign (1). Last evaluated 2025-11-17.

Conditions:
POLD1-related polyposis and colorectal cancer syndrome (CRCS10). Also called: Colorectal cancer 10; COLORECTAL CANCER, SUSCEPTIBILITY TO, ON CHROMOSOME 19q; Colorectal cancer, susceptibility to, 10. Identifiers: Orphanet 220460, MedGen C2675481, MONDO:0012953, OMIM 612591.
Hereditary cancer-predisposing syndrome. Also called: Tumor predisposition; Neoplastic Syndromes, Hereditary; Hereditary Cancer Syndrome; Hereditary neoplastic syndrome. Identifiers: Orphanet 140162, MedGen C0027672, MeSH D009386, MONDO:0015356.

gnomAD v4.1: 5 of 1,551,864 alleles (0.00032%); highest among the groups gnomAD compares: South Asian, 0.0012%; no homozygotes.

Submissions (3):

Labcorp Genetics (formerly Invitae), Labcorp
Classification: Uncertain significance for POLD1-related polyposis and colorectal cancer syndrome. Last evaluated: 2025-11-17. Review status: criteria provided, single submitter. Criteria: Invitae Variant Classification Sherloc (09022015). Collection method: clinical testing. Allele origin: germline.
Comment: This sequence change replaces phenylalanine, which is neutral and non-polar, with leucine, which is neutral and non-polar, at codon 970 of the POLD1 protein (p.Phe970Leu). This variant is not present in population databases (gnomAD no frequency). This variant has not been reported in the literature in individuals affected with POLD1-related conditions. ClinVar contains an entry for this variant (Variation ID: 537099). Invitae Evidence Modeling of protein sequence and biophysical properties (such as structural, functional, and spatial information, amino acid conservation, physicochemical variation, residue mobility, and thermodynamic stability) indicates that this missense variant is not expected to disrupt POLD1 protein function with a negative predictive value of 80%. In summary, the available evidence is currently insufficient to determine the role of this variant in disease. Therefore, it has been classified as a Variant of Uncertain Significance.

Ambry Genetics
Classification: Likely benign for Hereditary cancer-predisposing syndrome. Last evaluated: 2025-07-21. Review status: criteria provided, single submitter. Criteria: Ambry Variant Classification Scheme 2023. Collection method: clinical testing. Allele origin: germline.

GeneDx
Classification: Uncertain significance. Last evaluated: 2024-03-15. Review status: criteria provided, single submitter. Criteria: GeneDx Variant Classification Process June 2021. Collection method: clinical testing. Allele origin: germline. Affected: yes.
Comment: Not observed at significant frequency in large population cohorts (gnomAD); In silico analysis supports that this missense variant has a deleterious effect on protein structure/function; Has not been previously published as pathogenic or benign to our knowledge